The following is an entry in ClinVar:

NM_001127208.3(TET2):c.1637A>G (p.Lys546Arg)

Genes: TET2 (tet methylcytosine dioxygenase 2; plus strand), TET2-AS1 (TET2 antisense RNA 1; minus strand). Cytogenetic location: 4q24.
Variant type: single nucleotide variant.
Coding change: c.1637A>G on transcript NM_001127208.3 (MANE Select); coding-DNA position 1637, A replaced by G.
Protein change: p.Lys546Arg; replaces lysine 546 with arginine.
Molecular consequence: missense variant.
Genome position (GRCh38, 1-based): chr4:105,235,579, A>G. VCF-style: chr4-105235579-A-G. GRCh37 (hg19) VCF-style: chr4-106156736-A-G.
Other names: c.1637A>G, p.Lys546Arg (NM_017628.4); short protein forms K546R.
Identifiers: ClinVar variation 3455397 (VCV003455397.2).
Genomic context (GRCh38, chr4:105,235,579, plus strand): 5'-AGGACAACTGCCAGCAGTTGATGAGAAACAAAGAGCAAGAGATTCTGAAGGGTCGAGACA[A>G]GGAGCAAACACGAGATCTTGTGCCCCCAACACAGCACTATCTGAAACCAGGATGGATTGA-3'
Protein context (NP_001120680.1, residues 536-556): KEQEILKGRD[Lys546Arg]EQTRDLVPPT

ClinVar aggregate classification (germline): Uncertain significance. Review status: criteria provided, multiple submitters, no conflicts (2 of 4 stars). 2 submissions from 2 submitters: Uncertain significance (2). Last evaluated 2025-06-20.

Conditions:
TET2-related disorder. Also called: TET2-related condition.

Submissions (2):

PreventionGenetics, part of Exact Sciences
Classification: Uncertain significance for TET2-related condition. Last evaluated: 2025-06-20. Review status: criteria provided, single submitter. Criteria: ACMG Guidelines, 2015. Collection method: clinical testing. Allele origin: germline.
Comment: The TET2 c.1637A>G variant is predicted to result in the amino acid substitution p.Lys546Arg. To our knowledge, this variant has not been reported in the literature or in a large population database (gnomAD), indicating this variant is rare. At this time, the clinical significance of this variant is uncertain due to the absence of conclusive functional and genetic evidence.

Ambry Genetics
Classification: Uncertain significance. Last evaluated: 2024-12-10. Review status: criteria provided, single submitter. Criteria: Ambry Variant Classification Scheme 2023. Collection method: clinical testing. Allele origin: germline.
Comment: The p.K546R variant (also known as c.1637A>G), located in coding exon 1 of the TET2 gene, results from an A to G substitution at nucleotide position 1637. The lysine at codon 546 is replaced by arginine, an amino acid with highly similar properties. This amino acid position is conserved. In addition, this alteration is predicted to be tolerated by in silico analysis. Based on the available evidence, the clinical significance of this variant remains unclear.